The following is an entry in ClinVar:

ClinVar aggregate classification (germline): Likely benign. Review status: criteria provided, multiple submitters, no conflicts (2 of 4 stars). 3 submissions from 3 submitters: Likely benign (3). Last evaluated 2025-08-18.

Conditions:
Inborn genetic diseases. Identifiers: MedGen C0950123, MeSH D030342.
Fanconi anemia (FA). Also called: Fanconi's anemia. Identifiers: Orphanet 84, MedGen C0015625, MeSH D005199, MONDO:0019391.

Allele frequency attached by ClinVar (database versions not stated): ExAC 0.00001; gnomAD 0.00001; TOPMed 0.00001.
gnomAD v4.1: 15 of 1,613,914 alleles (0.00093%); highest among the groups gnomAD compares: South Asian, 0.0033%; no homozygotes.

Submissions (3):

Labcorp Genetics (formerly Invitae), Labcorp
Classification: Likely benign for Fanconi anemia. Last evaluated: 2025-08-18. Review status: criteria provided, single submitter. Criteria: Invitae Variant Classification Sherloc (09022015). Collection method: clinical testing. Allele origin: germline.

Ambry Genetics
Classification: Likely benign for Inborn genetic diseases. Last evaluated: 2024-11-20. Review status: criteria provided, single submitter. Criteria: Ambry Variant Classification Scheme 2023. Collection method: clinical testing. Allele origin: germline.

CeGaT Center for Human Genetics Tuebingen
Classification: Likely benign. Last evaluated: 2023-04-01. Review status: criteria provided, single submitter. Criteria: CeGaT Center For Human Genetics Tuebingen Variant Classification Criteria Version 2. Collection method: clinical testing. Allele origin: germline. Affected: yes. Observed: 1 variant allele.
Comment: FANCA: BP4, BP7

NM_000135.4(FANCA):c.2922C>T (p.Asp974=)

Gene: FANCA (FA complementation group A; minus strand). Cytogenetic location: 16q24.3.
Variant type: single nucleotide variant.
Coding change: c.2922C>T on transcript NM_000135.4 (MANE Select); coding-DNA position 2922, C replaced by T.
Protein change: p.Asp974=; no amino-acid change (aspartic acid 974 retained).
Molecular consequence: synonymous variant.
Genome position (GRCh38, 1-based): chr16:89,758,636, G>A on the plus strand (C>T on the coding strand, the complement: FANCA is on the minus strand). VCF-style: chr16-89758636-G-A. GRCh37 (hg19) VCF-style: chr16-89825044-G-A.
Other names: c.2922C>T, p.Asp974= (NM_001286167.3); c.2922C>T (NM_000135.2).
Identifiers: ClinVar variation 1109152 (VCV001109152.33), dbSNP rs756241886, ClinGen allele CA8251439.